The following is an entry in ClinVar:

NM_000260.4(MYO7A):c.786G>A (p.Met262Ile)

Gene: MYO7A (myosin VIIA; plus strand). Cytogenetic location: 11q13.5.
Variant type: single nucleotide variant.
Coding change: c.786G>A on transcript NM_000260.4 (MANE Select); coding-DNA position 786, G replaced by A.
Protein change: p.Met262Ile; replaces methionine 262 with isoleucine.
Molecular consequence: missense variant.
Genome position (GRCh38, 1-based): chr11:77,157,329, G>A. VCF-style: chr11-77157329-G-A. GRCh37 (hg19) VCF-style: chr11-76868375-G-A.
Other names: c.786G>A, p.Met262Ile (NM_001127180.2); c.753G>A, p.Met251Ile (NM_001369365.1); short protein forms M251I, M262I.
Identifiers: ClinVar variation 2754665 (VCV002754665.3), dbSNP rs782684625, ClinGen allele CA381932458.

ClinVar aggregate classification (germline): Uncertain significance (1 of 4 stars; one submission).

Submission:

Labcorp Genetics (formerly Invitae), Labcorp
Classification: Uncertain significance. Last evaluated: 2023-09-14. Review status: criteria provided, single submitter. Criteria: Invitae Variant Classification Sherloc (09022015). Collection method: clinical testing. Allele origin: germline.
Comment: This variant is not present in population databases (gnomAD no frequency). In summary, the available evidence is currently insufficient to determine the role of this variant in disease. Therefore, it has been classified as a Variant of Uncertain Significance. Advanced modeling of protein sequence and biophysical properties (such as structural, functional, and spatial information, amino acid conservation, physicochemical variation, residue mobility, and thermodynamic stability) performed at Invitae indicates that this missense variant is not expected to disrupt MYO7A protein function. This variant has not been reported in the literature in individuals affected with MYO7A-related conditions. This sequence change replaces methionine, which is neutral and non-polar, with isoleucine, which is neutral and non-polar, at codon 262 of the MYO7A protein (p.Met262Ile).